The following is an entry in ClinVar:

NM_006392.4(NOP56):c.1424T>C (p.Met475Thr)

Gene: NOP56 (NOP56 ribonucleoprotein; plus strand). Cytogenetic location: 20p13.
Variant type: single nucleotide variant.
Coding change: c.1424T>C on transcript NM_006392.4 (MANE Select); coding-DNA position 1424, T replaced by C.
Protein change: p.Met475Thr; replaces methionine 475 with threonine.
Molecular consequence: missense variant. On other transcripts: non-coding transcript variant (2).
Genome position (GRCh38, 1-based): chr20:2,657,933, T>C. VCF-style: chr20-2657933-T-C. GRCh37 (hg19) VCF-style: chr20-2638579-T-C.
Other names: short protein forms M475T.
Identifiers: ClinVar variation 129808 (VCV000129808.7), dbSNP rs6753, ClinGen allele CA154132.

ClinVar aggregate classification (germline): Benign. Review status: criteria provided, single submitter (1 of 4 stars). 2 submissions from 2 submitters: Benign (1). 1 of the submissions does not count toward it.

Allele frequency attached by ClinVar (database versions not stated): gnomAD exomes 0.27265 and 0.30135; ExAC 0.30984; ESP Exome Variant Server 0.35844; gnomAD 0.35898 and 0.36469; 1000 Genomes Project 0.37700; TOPMed 0.37820; 1000 Genomes Project 30x 0.38960.
gnomAD v4.1: 445,162 of 1,580,794 alleles (28%); highest among the groups gnomAD compares: African/African-American, 57%; 67,268 homozygotes.

Submissions (2):

Breakthrough Genomics
Classification: Benign. Review status: criteria provided, single submitter. Criteria: ACMG Guidelines, 2015. Collection method: not provided. Allele origin: germline. Inheritance: Autosomal dominant inheritance. Affected: yes.

Genetic Services Laboratory, University of Chicago
Classification: Likely benign for AllHighlyPenetrant. Review status: no assertion criteria provided. Collection method: clinical testing. Allele origin: germline. Inheritance: Autosomal dominant inheritance. Not counted in ClinVar's aggregate classification.
Comment: Likely benign based on allele frequency in 1000 Genomes Project or ESP global frequency and its presence in a patient with a rare or unrelated disease phenotype. NOT Sanger confirmed.